The following is an entry in ClinVar:

ClinVar aggregate classification (germline): Uncertain significance. Review status: criteria provided, multiple submitters, no conflicts (2 of 4 stars). 2 submissions from 2 submitters: Uncertain significance (2). Last evaluated 2024-03-01.

Conditions:
Endometrial carcinoma. Also called: Endometrial carcinoma, somatic. Identifiers: MedGen C0476089, MONDO:0002447, OMIM 608089, HP:0012114.
Colorectal cancer. Also called: Colorectal cancer, somatic; Malignant Colorectal Neoplasm. Identifiers: MedGen C0346629, MONDO:0005575, OMIM 114500.
Colorectal cancer, hereditary nonpolyposis, type 7. Identifiers: Orphanet 144, MedGen C1858380, MONDO:0013725, OMIM 614385.

Allele frequency attached by ClinVar (database versions not stated): gnomAD 0.00001.
gnomAD v4.1: 1 of 1,613,156 alleles (0.000062%); highest among the groups gnomAD compares: Admixed American, 0.0017%; no homozygotes.

Submissions (2):

Ambry Genetics
Classification: Uncertain significance. Last evaluated: 2024-03-01. Review status: criteria provided, single submitter. Criteria: Ambry Variant Classification Scheme 2023. Collection method: clinical testing. Allele origin: germline.
Comment: The p.D385A variant (also known as c.1154A>C), located in coding exon 1 of the MLH3 gene, results from an A to C substitution at nucleotide position 1154. The aspartic acid at codon 385 is replaced by alanine, an amino acid with dissimilar properties. This amino acid position is conserved. In addition, this alteration is predicted to be tolerated by in silico analysis. Based on the available evidence, the clinical significance of this alteration remains unclear.

Fulgent Genetics
Classification: Uncertain significance for Colorectal cancer; Endometrial carcinoma; Colorectal cancer, hereditary nonpolyposis, type 7. Last evaluated: 2024-02-29. Review status: criteria provided, single submitter. Criteria: ACMG Guidelines, 2015. Collection method: clinical testing. Allele origin: germline.

NM_001040108.2(MLH3):c.1154A>C (p.Asp385Ala)

Gene: MLH3 (mutL homolog 3; minus strand). Cytogenetic location: 14q24.3.
Variant type: single nucleotide variant.
Coding change: c.1154A>C on transcript NM_001040108.2 (MANE Select); coding-DNA position 1154, A replaced by C.
Protein change: p.Asp385Ala; replaces aspartic acid 385 with alanine.
Molecular consequence: missense variant.
Genome position (GRCh38, 1-based): chr14:75,048,502, T>G on the plus strand (A>C on the coding strand, the complement: MLH3 is on the minus strand). VCF-style: chr14-75048502-T-G. GRCh37 (hg19) VCF-style: chr14-75515205-T-G.
Other names: c.1154A>C, p.Asp385Ala (NM_014381.3); short protein forms D385A.
Identifiers: ClinVar variation 3232428 (VCV003232428.2), dbSNP rs775965471, ClinGen allele CA390447252.